The following is an entry in ClinVar:

NM_177438.3(DICER1):c.3454A>T (p.Asn1152Tyr)

Gene: DICER1 (dicer 1, ribonuclease III; minus strand). Cytogenetic location: 14q32.13.
Variant type: single nucleotide variant.
Coding change: c.3454A>T on transcript NM_177438.3 (MANE Select); coding-DNA position 3454, A replaced by T.
Protein change: p.Asn1152Tyr; replaces asparagine 1152 with tyrosine.
Molecular consequence: missense variant. On other transcripts: non-coding transcript variant (6).
Genome position (GRCh38, 1-based): chr14:95,103,942, T>A on the plus strand (A>T on the coding strand, the complement: DICER1 is on the minus strand). VCF-style: chr14-95103942-T-A. GRCh37 (hg19) VCF-style: chr14-95570279-T-A.
Other names: c.3454A>T, p.Asn1152Tyr (NM_001195573.1, NM_001271282.3, NM_001291628.2 and 12 more transcripts); c.3172A>T, p.Asn1058Tyr (NM_001395686.1); c.3049A>T, p.Asn1017Tyr (NM_001395687.1, NM_001395688.1, NM_001395689.1 and 2 more transcripts); c.2887A>T, p.Asn963Tyr (NM_001395691.1); c.1771A>T, p.Asn591Tyr (NM_001395697.1); short protein forms N591Y, N1152Y, N963Y, N1017Y, N1058Y.
Identifiers: ClinVar variation 5035296 (VCV005035296.1).

ClinVar aggregate classification (germline): Uncertain significance (1 of 4 stars; one submission).

Conditions:
Hereditary cancer-predisposing syndrome. Also called: Hereditary Cancer Syndrome; Neoplastic Syndromes, Hereditary; Tumor predisposition; Hereditary neoplastic syndrome. Identifiers: Orphanet 140162, MedGen C0027672, MeSH D009386, MONDO:0015356.

Submission:

Ambry Genetics
Classification: Uncertain significance for Hereditary cancer-predisposing syndrome. Last evaluated: 2026-07-19. Review status: criteria provided, single submitter. Criteria: Ambry Variant Classification Scheme 2023. Collection method: clinical testing. Allele origin: germline.
Comment: The p.N1152Y variant (also known as c.3454A>T), located in coding exon 20 of the DICER1 gene, results from an A to T substitution at nucleotide position 3454. The asparagine at codon 1152 is replaced by tyrosine, an amino acid with dissimilar properties. This amino acid position is conserved. In addition, the in silico prediction for this alteration is inconclusive. Based on the available evidence, the clinical significance of this variant remains unclear.